The following is an entry in ClinVar:

NM_015041.3(CLUAP1):c.470T>G (p.Leu157Trp)

Gene: CLUAP1 (clusterin associated protein 1; plus strand). Cytogenetic location: 16p13.3.
Variant type: single nucleotide variant.
Coding change: c.470T>G on transcript NM_015041.3 (MANE Select); coding-DNA position 470, T replaced by G.
Protein change: p.Leu157Trp; replaces leucine 157 with tryptophan.
Molecular consequence: missense variant. On other transcripts: intron variant (1).
Genome position (GRCh38, 1-based): chr16:3,512,453, T>G. VCF-style: chr16-3512453-T-G. GRCh37 (hg19) VCF-style: chr16-3562453-T-G.
Other names: c.470T>G, p.Leu157Trp (NM_001330454.2); c.-4+2484T>G (NM_024793.3); short protein forms L157W.
Identifiers: ClinVar variation 966911 (VCV000966911.8), dbSNP rs2037647336, ClinGen allele CA394512817.

ClinVar aggregate classification (germline): Uncertain significance (1 of 4 stars; one submission).

Allele frequency attached by ClinVar (database versions not stated): gnomAD exomes 0.00001.
gnomAD v4.1: 4 of 1,613,988 alleles (0.00025%); highest among the groups gnomAD compares: Non-Finnish European, 0.00034%; no homozygotes.

Submission:

Labcorp Genetics (formerly Invitae), Labcorp
Classification: Uncertain significance. Last evaluated: 2024-10-26. Review status: criteria provided, single submitter. Criteria: Invitae Variant Classification Sherloc (09022015). Collection method: clinical testing. Allele origin: germline.
Comment: This sequence change replaces leucine, which is neutral and non-polar, with tryptophan, which is neutral and slightly polar, at codon 157 of the CLUAP1 protein (p.Leu157Trp). This variant is not present in population databases (gnomAD no frequency). This variant has not been reported in the literature in individuals affected with CLUAP1-related conditions. ClinVar contains an entry for this variant (Variation ID: 966911). Invitae Evidence Modeling of protein sequence and biophysical properties (such as structural, functional, and spatial information, amino acid conservation, physicochemical variation, residue mobility, and thermodynamic stability) indicates that this missense variant is expected to disrupt CLUAP1 protein function with a positive predictive value of 80%. In summary, the available evidence is currently insufficient to determine the role of this variant in disease. Therefore, it has been classified as a Variant of Uncertain Significance.